The following is an entry in ClinVar:

ClinVar aggregate classification (germline): Uncertain significance (1 of 4 stars; one submission).

Conditions:
Charcot-Marie-Tooth disease axonal type 2C (HMSN2C). Also called: CHARCOT-MARIE-TOOTH DISEASE, AXONAL, AUTOSOMAL DOMINANT, TYPE 2C; Charcot-Marie-Tooth Neuropathy Type 2C; Charcot-Marie-Tooth Disease Type 2, TRPV4-Related (CMT2C). Identifiers: Orphanet 99937, MedGen C1853710, MONDO:0011633, OMIM 606071.

Submission:

Labcorp Genetics (formerly Invitae), Labcorp
Classification: Uncertain significance for Charcot-Marie-Tooth disease axonal type 2C. Last evaluated: 2023-06-29. Review status: criteria provided, single submitter. Criteria: Invitae Variant Classification Sherloc (09022015). Collection method: clinical testing. Allele origin: germline.
Comment: In summary, the available evidence is currently insufficient to determine the role of this variant in disease. Therefore, it has been classified as a Variant of Uncertain Significance. Advanced modeling of protein sequence and biophysical properties (such as structural, functional, and spatial information, amino acid conservation, physicochemical variation, residue mobility, and thermodynamic stability) has been performed at Invitae for this missense variant, however the output from this modeling did not meet the statistical confidence thresholds required to predict the impact of this variant on TRPV4 protein function. This variant has not been reported in the literature in individuals affected with TRPV4-related conditions. This variant is not present in population databases (gnomAD no frequency). This sequence change replaces alanine, which is neutral and non-polar, with aspartic acid, which is acidic and polar, at codon 378 of the TRPV4 protein (p.Ala378Asp).

NM_021625.5(TRPV4):c.1133C>A (p.Ala378Asp)

Gene: TRPV4 (transient receptor potential cation channel subfamily V member 4; minus strand). Cytogenetic location: 12q24.11.
Variant type: single nucleotide variant.
Coding change: c.1133C>A on transcript NM_021625.5 (MANE Select); coding-DNA position 1133, C replaced by A.
Protein change: p.Ala378Asp; replaces alanine 378 with aspartic acid.
Molecular consequence: missense variant.
Genome position (GRCh38, 1-based): chr12:109,798,633, G>T on the plus strand (C>A on the coding strand, the complement: TRPV4 is on the minus strand). VCF-style: chr12-109798633-G-T. GRCh37 (hg19) VCF-style: chr12-110236438-G-T.
Other names: c.992C>A, p.Ala331Asp (NM_001177428.2, NM_001177433.2); c.1031C>A, p.Ala344Asp (NM_001177431.2); c.1133C>A, p.Ala378Asp (NM_147204.3); short protein forms A331D, A378D, A344D.
Identifiers: ClinVar variation 2862958 (VCV002862958.3), dbSNP rs2548748409, ClinGen allele CA386654066.
Genomic context (GRCh38, chr12:109,798,633, plus strand): 5'-ACGAGTAGGTGGATCAGCTGTGCCCCCAGCCGCACACTCACCCCAATCTTGCCCGTCTTG[G>T]CAGCCATCATGAGGGGCGAGAGGCCGTCGTTGTTGAGCACGGCCTCCAGGTTGCTGTCGG-3'
Protein context (NP_067638.3, residues 368-388): NDGLSPLMMA[Ala378Asp]KTGKIGIFQH